The following is an entry in ClinVar:

NM_013275.6(ANKRD11):c.4610G>A (p.Gly1537Asp)

Gene: ANKRD11 (ankyrin repeat domain containing 11; minus strand). Cytogenetic location: 16q24.3.
Variant type: single nucleotide variant.
Coding change: c.4610G>A on transcript NM_013275.6 (MANE Select); coding-DNA position 4610, G replaced by A.
Protein change: p.Gly1537Asp; replaces glycine 1537 with aspartic acid.
Molecular consequence: missense variant.
Genome position (GRCh38, 1-based): chr16:89,281,932, C>T on the plus strand (G>A on the coding strand, the complement: ANKRD11 is on the minus strand). VCF-style: chr16-89281932-C-T. GRCh37 (hg19) VCF-style: chr16-89348340-C-T.
Other names: c.4610G>A, p.Gly1537Asp (NM_001256182.2, NM_001256183.2); short protein forms G1537D.
Identifiers: ClinVar variation 3344824 (VCV003344824.1).

ClinVar aggregate classification (germline): Uncertain significance (0 of 4 stars; one submission).

Conditions:
ANKRD11-related disorder. Also called: ANKRD11-related condition.

gnomAD v4.1: 5 of 1,613,102 alleles (0.00031%); highest among the groups gnomAD compares: Non-Finnish European, 0.00042%; no homozygotes.

Submission:

PreventionGenetics, part of Exact Sciences
Classification: Uncertain significance for ANKRD11-related condition. Last evaluated: 2024-07-22. Review status: no assertion criteria provided. Collection method: clinical testing. Allele origin: germline.
Comment: The ANKRD11 c.4610G>A variant is predicted to result in the amino acid substitution p.Gly1537Asp. To our knowledge, this variant has not been reported in the literature. This variant is reported in 0.00088% of alleles in individuals of European (Non-Finnish) descent in gnomAD. At this time, the clinical significance of this variant is uncertain due to the absence of conclusive functional and genetic evidence.